The following is an entry in ClinVar:

ClinVar aggregate classification (germline): Likely benign (1 of 4 stars; one submission).

Allele frequency attached by ClinVar (database versions not stated): 1000 Genomes Project 30x 0.00547; 1000 Genomes Project 0.00719; TOPMed 0.00720.
gnomAD v4.1: 974 of 152,290 alleles (0.64%); highest among the groups gnomAD compares: African/African-American, 2.2%; 9 homozygotes.

Submission:

GeneDx
Classification: Likely benign. Last evaluated: 2021-06-15. Review status: criteria provided, single submitter. Criteria: GeneDx Variant Classification Process June 2021. Collection method: clinical testing. Allele origin: germline. Affected: yes.
Comment: See Variant Classification Assertion Criteria.

NM_020223.4(FAM20C):c.1505+186C>T

Gene: FAM20C (FAM20C golgi associated secretory pathway kinase; plus strand). Cytogenetic location: 7p22.3.
Variant type: single nucleotide variant.
Coding change: c.1505+186C>T on transcript NM_020223.4 (MANE Select); 186 bases into the intron after coding-DNA position 1505, C replaced by T.
Molecular consequence: intron variant.
Genome position (GRCh38, 1-based): chr7:258,891, C>T. VCF-style: chr7-258891-C-T. GRCh37 (hg19) VCF-style: chr7-298857-C-T.
Identifiers: ClinVar variation 1707311 (VCV001707311.2), dbSNP rs139134353, ClinGen allele CA152287068.